The following is an entry in ClinVar:

NM_003322.6(TULP1):c.935dup (p.Asp312fs)

Gene: TULP1 (TUB like protein 1; minus strand). Cytogenetic location: 6p21.31.
Variant type: Duplication.
Coding change: c.935dup on transcript NM_003322.6 (MANE Select); coding-DNA position 935, one base duplicated (A; older notation c.935dupA).
Protein change: p.Asp312fs; shifts the reading frame from aspartic acid 312.
Molecular consequence: frameshift variant.
Genome position (GRCh38, 1-based): chr6:35,506,067, T duplicated on the plus strand (A on the coding strand, the reverse complement: TULP1 is on the minus strand). VCF-style (leftmost placement, unchanged base first): chr6-35506066-G-GT. GRCh37 (hg19) VCF-style: chr6-35473843-G-GT.
Other names: c.776dup, p.Asp259fs (NM_001289395.2); short protein forms D259fs, D312fs.
Identifiers: ClinVar variation 3693073 (VCV003693073.2).

ClinVar aggregate classification (germline): Pathogenic (1 of 4 stars; one submission).

Submission:

Labcorp Genetics (formerly Invitae), Labcorp
Classification: Pathogenic. Last evaluated: 2024-02-02. Review status: criteria provided, single submitter. Criteria: Invitae Variant Classification Sherloc (09022015). Collection method: clinical testing. Allele origin: germline.
Comment: This sequence change creates a premature translational stop signal (p.Asp312Glufs*72) in the TULP1 gene. It is expected to result in an absent or disrupted protein product. Loss-of-function variants in TULP1 are known to be pathogenic (PMID: 8606774, 10549638, 15024725, 18055821). This variant is not present in population databases (gnomAD no frequency). This variant has not been reported in the literature in individuals affected with TULP1-related conditions. For these reasons, this variant has been classified as Pathogenic.

Literature cited by the submitters: PubMed 8606774; PubMed 10549638; PubMed 15024725; PubMed 18055821.